The following is an entry in ClinVar:

ClinVar aggregate classification (germline): Likely pathogenic (1 of 4 stars; one submission).

Conditions:
CASR-related disorder. Also called: CASR-related condition.

Submission:

PreventionGenetics, part of Exact Sciences
Classification: Likely pathogenic for CASR-related condition. Last evaluated: 2025-10-25. Review status: criteria provided, single submitter. Criteria: ACMG Guidelines, 2015. Collection method: clinical testing. Allele origin: germline.
Comment: The CASR c.2807_2808delAG variant is predicted to result in a frameshift and premature protein termination (p.Gln936Profs*54). To our knowledge, this variant has not been reported in the literature or in a large population database (gnomAD), indicating this variant is rare. This variant resides in the final exon of this gene, and it is unclear if the resulting mRNA would undergo nonsense-mediated decay, however, numerous truncating variants have been reported downstream of this variant (Human Gene Mutation Database). This variant is interpreted as likely pathogenic.

NM_000388.4(CASR):c.2777_2778del (p.Gln926fs)

Gene: CASR (calcium sensing receptor; plus strand). Cytogenetic location: 3q21.1.
Variant type: Deletion.
Coding change: c.2777_2778del on transcript NM_000388.4 (MANE Select); coding-DNA positions 2777 to 2778, 2 bases deleted (AG; older notation c.2777_2778delAG).
Protein change: p.Gln926fs; shifts the reading frame from glutamine 926.
Molecular consequence: frameshift variant.
Genome position (GRCh38, 1-based): chr3:122,284,731-122,284,732, AG deleted. VCF-style (leftmost placement, unchanged base first): chr3-122284730-CAG-C. GRCh37 (hg19) VCF-style: chr3-122003577-CAG-C.
Other names: c.2807_2808del, p.Gln936fs (NM_001178065.2); short protein forms Q926fs, Q936fs.
Identifiers: ClinVar variation 4996541 (VCV004996541.1).
Genomic context (GRCh38, chr3:122,284,730, plus strand): 5'-ACGGGATCCACCCCCTCCTCCTCCATCAGCAGCAAGAGCAACAGCGAAGACCCATTCCCA[CAG>C]CCCGAGAGGCAGAAGCAGCAGCAGCCGCTGGCCCTAACCCAGCAAGAGCAGCAGCAGCAG-3'